The following is an entry in ClinVar:

NM_001035.3(RYR2):c.4480A>G (p.Met1494Val)

Gene: RYR2 (ryanodine receptor 2; plus strand). Cytogenetic location: 1q43.
Variant type: single nucleotide variant.
Coding change: c.4480A>G on transcript NM_001035.3 (MANE Select); coding-DNA position 4480, A replaced by G.
Protein change: p.Met1494Val; replaces methionine 1494 with valine.
Molecular consequence: missense variant.
Genome position (GRCh38, 1-based): chr1:237,595,541, A>G. VCF-style: chr1-237595541-A-G. GRCh37 (hg19) VCF-style: chr1-237758841-A-G.
Other names: short protein forms M1494V.
Identifiers: ClinVar variation 924476 (VCV000924476.5), dbSNP rs1675797583, ClinGen allele CA345400267.

ClinVar aggregate classification (germline): Uncertain significance (1 of 4 stars; one submission).

Conditions:
Cardiomyopathy (CMYO). Also called: Cardiomyopathies. Identifiers: Orphanet 167848, MedGen C0878544, MONDO:0004994, HP:0001638. Inheritance: Various modes of inheritance.

Allele frequency attached by ClinVar (database versions not stated): gnomAD exomes below 0.00001.

Submission:

Color Diagnostics, LLC DBA Color Health
Classification: Uncertain significance for Cardiomyopathy. Last evaluated: 2023-12-05. Review status: criteria provided, single submitter. Criteria: ACMG Guidelines, 2015. Collection method: clinical testing. Allele origin: germline.
Comment: Variant of Uncertain Significance due to insufficient evidence: This missense variant is located in the cytoplasmic domain of the RYR2 protein. Computational prediction tools and conservation analyses suggest that this variant may not impact the protein function. Computational splicing tools suggest that this variant may not impact RNA splicing. To our knowledge, functional assays have not been performed for this variant nor has this variant been reported in individuals affected with cardiovascular disorders in the literature. This variant is rare in the general population and has been identified in 0/277264 chromosomes by the Genome Aggregation Database (gnomAD). Available evidence is insufficient to determine the pathogenicity of this variant conclusively.